The following is an entry in ClinVar:

NM_001080.3(ALDH5A1):c.338G>A (p.Arg113Lys)

Genes: ALDH5A1 (aldehyde dehydrogenase 5 family member A1; plus strand), LOC129995978 (ATAC-STARR-seq lymphoblastoid silent region 16989; plus strand). Cytogenetic location: 6p22.3.
Variant type: single nucleotide variant.
Coding change: c.338G>A on transcript NM_001080.3 (MANE Select); coding-DNA position 338, G replaced by A.
Protein change: p.Arg113Lys; replaces arginine 113 with lysine.
Molecular consequence: missense variant.
Genome position (GRCh38, 1-based): chr6:24,495,334, G>A. VCF-style: chr6-24495334-G-A. GRCh37 (hg19) VCF-style: chr6-24495562-G-A.
Other names: c.338G>A, p.Arg113Lys (NM_001368954.1, NM_170740.1); short protein forms R113K.
Identifiers: ClinVar variation 644718 (VCV000644718.8), dbSNP rs1581801085, ClinGen allele CA362968715.

ClinVar aggregate classification (germline): Uncertain significance (1 of 4 stars; one submission).

Conditions:
Succinate-semialdehyde dehydrogenase deficiency (SSADHD). Also called: SSADH DEFICIENCY; 4-HYDROXYBUTYRIC ACIDURIA; GABA METABOLIC DEFECT; Succinic Semialdehyde Dehydrogenase Deficiency. Identifiers: Orphanet 22, MedGen C0268631, MONDO:0010083, OMIM 271980.

Submission:

Labcorp Genetics (formerly Invitae), Labcorp
Classification: Uncertain significance for Succinate-semialdehyde dehydrogenase deficiency. Last evaluated: 2021-09-01. Review status: criteria provided, single submitter. Criteria: Invitae Variant Classification Sherloc (09022015). Collection method: clinical testing. Allele origin: germline.
Comment: This sequence change replaces arginine with lysine at codon 113 of the ALDH5A1 protein (p.Arg113Lys). The arginine residue is weakly conserved and there is a small physicochemical difference between arginine and lysine. The frequency data for this variant in the population databases is considered unreliable, as metrics indicate insufficient coverage at this position in the ExAC database. This variant has not been reported in the literature in individuals affected with ALDH5A1-related conditions. Algorithms developed to predict the effect of missense changes on protein structure and function output the following: SIFT: "Tolerated"; PolyPhen-2: "Benign"; Align-GVGD: "Class C0". The lysine amino acid residue is found in multiple mammalian species, which suggests that this missense change does not adversely affect protein function. Algorithms developed to predict the effect of sequence changes on RNA splicing suggest that this variant may create or strengthen a splice site. In summary, the available evidence is currently insufficient to determine the role of this variant in disease. Therefore, it has been classified as a Variant of Uncertain Significance.